The following is an entry in ClinVar:

NM_003000.3(SDHB):c.423+1G>C

Gene: SDHB (succinate dehydrogenase complex iron sulfur subunit B; minus strand). Cytogenetic location: 1p36.13.
Variant type: single nucleotide variant.
Coding change: c.423+1G>C on transcript NM_003000.3 (MANE Select); the canonical splice donor site of the intron after coding-DNA position 423, G replaced by C.
Molecular consequence: splice donor variant. On other transcripts: intron variant (1).
Genome position (GRCh38, 1-based): chr1:17,028,599, C>G on the plus strand (G>C on the coding strand, the complement: SDHB is on the minus strand). VCF-style: chr1-17028599-C-G. GRCh37 (hg19) VCF-style: chr1-17355094-C-G.
Other names: IVS4DS, G-C, +1; c.369+55G>C (NM_001407361.1).
Identifiers: ClinVar variation 12790 (VCV000012790.5), dbSNP rs398122805, ClinGen allele CA338273797.
Genomic context (GRCh38, chr1:17,028,599, plus strand): 5'-ACACACATAGCACTGCCCCCCATGCAAATAAAAACAAAACCAGAGAGATGCAGAAACTCA[C>G]GGGAACAAGATCCTTTATCACATACATGTGTGGAAGAGGGTAGATTTTTGAGACCTTATT-3'

ClinVar aggregate classification (germline): Pathogenic. Review status: criteria provided, multiple submitters, no conflicts (2 of 4 stars). 3 submissions from 3 submitters: Pathogenic (2). 1 of the submissions does not count toward it. Last evaluated 2026-01-12.

Conditions:
Hereditary cancer-predisposing syndrome. Also called: Neoplastic Syndromes, Hereditary; Tumor predisposition; Hereditary neoplastic syndrome; Hereditary Cancer Syndrome. Identifiers: Orphanet 140162, MedGen C0027672, MeSH D009386, MONDO:0015356.
Pheochromocytoma/paraganglioma syndrome 4. Also called: Paragangliomas 4; CAROTID BODY TUMORS AND MULTIPLE EXTRAADRENAL PHEOCHROMOCYTOMAS; SDHB-Related Hereditary Paraganglioma-Pheochromocytoma Syndrome (Paragangliomas 4); PARAGANGLIOMA, FAMILIAL MALIGNANT; PARAGANGLIOMAS, HEREDITARY EXTRAADRENAL; PHEOCHROMOCYTOMA, FAMILIAL EXTRAADRENAL. Identifiers: Orphanet 29072, MedGen C1861848, MONDO:0007273, OMIM 115310.
Gastrointestinal stromal tumor. Also called: Gastrointestinal stromal tumor, somatic; Gastrointestinal stroma tumor. Identifiers: Orphanet 44890, MedGen C0238198, MeSH D046152, MONDO:0011719, OMIM 606764, HP:0100723.
Pheochromocytoma. Also called: MAX-Related Hereditary Paraganglioma-Pheochromocytoma Syndrome. Identifiers: Orphanet 29072, MedGen C0031511, MONDO:0008233, OMIM 171300, HP:0002666.
Carney-Stratakis syndrome. Also called: PARAGANGLIOMA AND GASTROINTESTINAL STROMAL TUMOR. Identifiers: Orphanet 97286, MedGen C1847319, MONDO:0011740, OMIM 606864.

Submissions (3):

Labcorp Genetics (formerly Invitae), Labcorp
Classification: Pathogenic for Gastrointestinal stromal tumor; Pheochromocytoma/paraganglioma syndrome 4; Pheochromocytoma. Last evaluated: 2026-01-12. Review status: criteria provided, single submitter. Criteria: Invitae Variant Classification Sherloc (09022015). Collection method: clinical testing. Allele origin: germline.
Comment: This sequence change affects a donor splice site in intron 4 of the SDHB gene. RNA analysis indicates that disruption of this splice site induces altered splicing and may result in an absent or altered protein product. This variant is not present in population databases (gnomAD no frequency). Disruption of this splice site has been observed in individuals with paraganglioma and/or pheochromocytoma (PMID: 16405730, 19411806, 21348866). ClinVar contains an entry for this variant (Variation ID: 12790). Studies have shown that disruption of this splice site results in activation of cryptic splice sites, and produces a non-functional protein and/or introduces a premature termination codon (internal data). For these reasons, this variant has been classified as Pathogenic.

Ambry Genetics
Classification: Pathogenic for Hereditary cancer-predisposing syndrome. Last evaluated: 2025-09-12. Review status: criteria provided, single submitter. Criteria: Ambry Variant Classification Scheme 2023. Collection method: clinical testing. Allele origin: germline.
Comment: The c.423+1G>C intronic pathogenic variant results from a G to C substitution one nucleotide after coding exon 4 of the SDHB gene. Alterations that disrupt the canonical splice site are expected to result in aberrant splicing. This variant was reported in individual(s) with features consistent with SDHB-related hereditary pheochromocytoma-paraganglioma (McWhinney SR et al. N Engl J Med, 2007 Sep;357:1054-6). This variant segregated with disease in at least one family with features consistent with SDHB-related hereditary pheochromocytoma-paraganglioma (McWhinney SR et al. N Engl J Med, 2007 Sep;357:1054-6; Ambry internal data). In silico splice site analysis predicts that this alteration will weaken the native splice donor site. RNA studies have demonstrated that this alteration abolishes the native donor site and activates a cryptic donor site in the adjacent exon (Ambry internal data). Other variant(s) impacting the same donor site (c.423+1G>A) have been shown to have a similar impact on splicing in individual(s) with features consistent with SDHB-related hereditary pheochromocytoma-paraganglioma (Hensen EF et al. Clin Genet, 2012 Mar;81:284-8; Rijken JA et al. Clin Genet, 2018 Jan;93:60-66; Erlic Z et al. Clin Cancer Res, 2009 Oct;15:6378-85; Gill AJ et al. Am. J. Surg. Pathol., 2011 Oct;35:1578-85; Imamura H et al. Eur. J. Pediatr., 2016 Jan;175:137-41). This variant is considered to be rare based on population cohorts in the Genome Aggregation Database (gnomAD). Based on the supporting evidence, this variant is interpreted as a disease-causing mutation.

OMIM
Classification: Pathogenic for PARAGANGLIOMA AND GASTRIC STROMAL SARCOMA. Last evaluated: 2008-01-01. Review status: no assertion criteria provided. Collection method: literature only. Allele origin: germline. Not counted in ClinVar's aggregate classification.

Literature cited by the submitters: PubMed 16405730 (cited by Labcorp Genetics (formerly Invitae), Labcorp); PubMed 19411806 (cited by Labcorp Genetics (formerly Invitae), Labcorp); PubMed 21348866 (cited by Labcorp Genetics (formerly Invitae), Labcorp); PubMed 17804857 (cited by Ambry Genetics and OMIM); PubMed 15383933 (cited by OMIM); PubMed 17667967 (cited by OMIM).